The following is an entry in ClinVar:

NM_153240.5(NPHP3):c.748C>T (p.Gln250Ter)

Genes: NPHP3-ACAD11 (NPHP3-ACAD11 readthrough (NMD candidate); minus strand), NPHP3 (nephrocystin 3; minus strand). Cytogenetic location: 3q22.1.
Variant type: single nucleotide variant.
Coding change: c.748C>T on transcript NM_153240.5 (MANE Select); coding-DNA position 748, C replaced by T.
Protein change: p.Gln250Ter; replaces glutamine 250 with a stop codon.
Molecular consequence: nonsense. On other transcripts: non-coding transcript variant (1).
Genome position (GRCh38, 1-based): chr3:132,716,832, G>A on the plus strand (C>T on the coding strand, the complement: NPHP3 is on the minus strand). VCF-style: chr3-132716832-G-A. GRCh37 (hg19) VCF-style: chr3-132435676-G-A.
Other names: short protein forms Q250*.
Identifiers: ClinVar variation 2681759 (VCV002681759.3), dbSNP rs2530496903, ClinGen allele CA354586495.
Genomic context (GRCh38, chr3:132,716,832, plus strand): 5'-CAAAGGGTCCTTCCACATCTATAGAACTATGGGCAAACTCAGGGCCTCTGAAGGACTGCT[G>A]AAGCTGGATCATGCTTCCTATGGAAGGTTCACTTCCCAAGGCTCCGCCAGTCCAATATTC-3'

ClinVar aggregate classification (germline): Pathogenic. Review status: criteria provided, multiple submitters, no conflicts (2 of 4 stars). 2 submissions from 2 submitters: Pathogenic (2). Last evaluated 2023-12-01.

Conditions:
NPHP3-related Meckel-like syndrome. Also called: Meckel syndrome type 7; GOLDSTON SYNDROME. Identifiers: Orphanet 3032, MedGen C2673885, MONDO:0009966, OMIM 267010.
Nephronophthisis 3 (NPHP3). Also called: Adolescent nephronophthisis. Identifiers: Orphanet 655, MedGen C1858392, MONDO:0011456, OMIM 604387.

Submissions (2):

Precision Medicine Center, Zhengzhou University
Classification: Pathogenic for Nephronophthisis 3. Last evaluated: 2023-12-01. Review status: criteria provided, single submitter. Criteria: ACMG Guidelines, 2015. Collection method: clinical testing. Allele origin: paternal. Affected: yes.
Comment: PVS1,PM2_p,PM3

Medical Genetics Center, Maternal and Child Health Hospital of Hubei Province
Classification: Pathogenic for NPHP3-related Meckel-like syndrome. Last evaluated: 2022-04-24. Review status: criteria provided, single submitter. Criteria: ACMG Guidelines, 2015. Collection method: clinical testing. Allele origin: paternal. Affected: yes.

Literature cited by the submitters: PubMed 33323469 (cited by Precision Medicine Center, Zhengzhou University).